The following is an entry in ClinVar:

ClinVar aggregate classification (germline): Conflicting classifications of pathogenicity. Review status: criteria provided, conflicting classifications (1 of 4 stars). 3 submissions from 3 submitters: Uncertain significance (2); Likely benign (1). Last evaluated 2026-01-12.

Conditions:
Glaucoma 3A. Also called: Glaucoma 3, primary congenital, A. Identifiers: Orphanet 98976, Orphanet 98977, MedGen C1856439, MONDO:0009277, OMIM 231300.
Glaucoma 3, primary infantile, B. Also called: GLC3B; GLAUCOMA, PRIMARY CONGENITAL, TYPE B; GLC3 type B; Primary congenital glaucoma type 3B; Glaucoma primary congenita type 3B. Identifiers: Orphanet 98976, MedGen C1832977, MONDO:0010968, OMIM 600975.
Anterior segment dysgenesis 6 (ASGD6). Also called: Anterior segment dysgenesis 6, multiple subtypes. Identifiers: MedGen C4310623, MONDO:0015016, OMIM 617315.
Congenital glaucoma. Identifiers: MedGen C0020302, MONDO:0020366.

Allele frequency attached by ClinVar (database versions not stated): gnomAD exomes 0.00006 and 0.00012; ExAC 0.00017; ESP Exome Variant Server 0.00069; 1000 Genomes Project 0.00020; 1000 Genomes Project 30x 0.00016.

Submissions (3):

Labcorp Genetics (formerly Invitae), Labcorp
Classification: Likely benign for Congenital glaucoma. Last evaluated: 2026-01-12. Review status: criteria provided, single submitter. Criteria: Invitae Variant Classification Sherloc (09022015). Collection method: clinical testing. Allele origin: germline.

Women's Health and Genetics/Laboratory Corporation of America, LabCorp
Classification: Uncertain significance. Last evaluated: 2024-07-30. Review status: criteria provided, single submitter. Criteria: LabCorp Variant Classification Summary - May 2015. Collection method: clinical testing. Allele origin: germline.
Comment: Variant summary: CYP1B1 c.1033C>T (p.Leu345Phe) results in a non-conservative amino acid change located in the I-helix of the heme-binding region of the encoded protein sequence. Four of five in-silico tools predict a benign effect of the variant on protein function. The variant allele was found at a frequency of 0.00012 in 248598 control chromosomes, predominantly at a frequency of 0.0018 within the African or African-American subpopulation in the gnomAD database, including 1 homozygotes. This frequency is not significantly higher than estimated for a pathogenic variant in CYP1B1 causing Primary Congenital Glaucoma (0.00012 vs 0.0043), allowing no conclusion about variant significance. This report does not provide unequivocal conclusions about association of the variant with Primary Congenital Glaucoma. To our knowledge, no experimental evidence demonstrating an impact on protein function has been reported. The following publication have been ascertained in the context of this evaluation (PMID: 11774072). ClinVar contains an entry for this variant (Variation ID: 1343424). Based on the evidence outlined above, the variant was classified as uncertain significance.

Fulgent Genetics
Classification: Uncertain significance for Glaucoma 3A; Glaucoma 3, primary infantile, B; Anterior segment dysgenesis 6. Last evaluated: 2021-07-30. Review status: criteria provided, single submitter. Criteria: ACMG Guidelines, 2015. Collection method: clinical testing. Allele origin: unknown.

Literature cited by the submitters: PubMed 11774072 (cited by Women's Health and Genetics/Laboratory Corporation of America, LabCorp).

NM_000104.4(CYP1B1):c.1033C>T (p.Leu345Phe)

Gene: CYP1B1 (cytochrome P450 family 1 subfamily B member 1; minus strand). Cytogenetic location: 2p22.2.
Variant type: single nucleotide variant.
Coding change: c.1033C>T on transcript NM_000104.4 (MANE Select); coding-DNA position 1033, C replaced by T.
Protein change: p.Leu345Phe; replaces leucine 345 with phenylalanine.
Molecular consequence: missense variant.
Genome position (GRCh38, 1-based): chr2:38,074,356, G>A on the plus strand (C>T on the coding strand, the complement: CYP1B1 is on the minus strand). VCF-style: chr2-38074356-G-A. GRCh37 (hg19) VCF-style: chr2-38301499-G-A.
Other names: short protein forms L345F.
Identifiers: ClinVar variation 1343424 (VCV001343424.7), dbSNP rs66583685, ClinGen allele CA1619894.